The following is an entry in ClinVar:

ClinVar aggregate classification (germline): Conflicting classifications of pathogenicity. Review status: criteria provided, conflicting classifications (1 of 4 stars). 8 submissions from 8 submitters: Uncertain significance (1); Benign (1); Likely benign (5). 1 of the submissions does not count toward it. Last evaluated 2025-11-17.

Conditions:
Hereditary cancer-predisposing syndrome. Also called: Hereditary Cancer Syndrome; Tumor predisposition; Neoplastic Syndromes, Hereditary; Hereditary neoplastic syndrome. Identifiers: Orphanet 140162, MedGen C0027672, MeSH D009386, MONDO:0015356.
Tuberous sclerosis syndrome (TSC). Also called: Tuberous Sclerosis Complex; Tuberous sclerosis. Identifiers: Orphanet 805, MedGen C0041341, MONDO:0001734.
Tuberous sclerosis 1 (TSC1). Identifiers: Orphanet 805, MedGen C1854465, MONDO:0008612, OMIM 191100.

Allele frequency attached by ClinVar (database versions not stated): TOPMed 0.00001; ExAC 0.00002; gnomAD exomes 0.00002 and 0.00001; gnomAD 0.00001.
gnomAD v4.1: 16 of 1,614,094 alleles (0.00099%); highest among the groups gnomAD compares: South Asian, 0.0055%; no homozygotes.

Submissions (8):

Labcorp Genetics (formerly Invitae), Labcorp
Classification: Benign for Tuberous sclerosis 1. Last evaluated: 2025-11-17. Review status: criteria provided, single submitter. Criteria: Invitae Variant Classification Sherloc (09022015). Collection method: clinical testing. Allele origin: germline.

CeGaT Center for Human Genetics Tuebingen
Classification: Likely benign. Last evaluated: 2025-08-01. Review status: criteria provided, single submitter. Criteria: CeGaT Center For Human Genetics Tuebingen Variant Classification Criteria Version 2. Collection method: clinical testing. Allele origin: germline. Affected: yes. Observed: 2 variant alleles.
Comment: TSC1: BP4, BS2

Quest Diagnostics Nichols Institute San Juan Capistrano
Classification: Uncertain significance. Last evaluated: 2024-09-25. Review status: criteria provided, single submitter. Criteria: Quest Diagnostics criteria. Collection method: clinical testing. Allele origin: unknown.
Comment: The TSC1 c.3322G>A (p.Gly1108Ser) variant has been reported in individuals with tuberous sclerosis (PMID: 9924605 (1998), 10363127 (1998)). The frequency of this variant in the general population, 0.00002 (5/251440 chromosomes), is uninformative in assessment of its pathogenicity. Analysis of this variant using bioinformatics tools for the prediction of the effect of amino acid changes on protein structure and function yielded predictions that this variant is benign. Based on the available information, we are unable to determine the clinical significance of this variant.

Color Diagnostics, LLC DBA Color Health
Classification: Likely benign for Tuberous sclerosis syndrome. Last evaluated: 2022-08-16. Review status: criteria provided, single submitter. Criteria: ACMG Guidelines, 2015. Collection method: clinical testing. Allele origin: germline.

Ambry Genetics
Classification: Likely benign for Hereditary cancer-predisposing syndrome. Last evaluated: 2022-04-14. Review status: criteria provided, single submitter. Criteria: Ambry Variant Classification Scheme 2023. Collection method: clinical testing. Allele origin: germline.

Genome-Nilou Lab
Classification: Likely benign for Tuberous sclerosis 1. Last evaluated: 2021-11-07. Review status: criteria provided, single submitter. Criteria: ACMG Guidelines, 2015. Collection method: clinical testing. Allele origin: germline. Affected: no.

GeneDx
Classification: Likely benign. Last evaluated: 2012-09-14. Review status: criteria provided, single submitter. Criteria: GeneDx Variant Classification (06012015). Collection method: clinical testing. Allele origin: germline. Affected: yes.
Comment: This variant is considered likely benign or benign based on one or more of the following criteria: it is a conservative change, it occurs at a poorly conserved position in the protein, it is predicted to be benign by multiple in silico algorithms, and/or has population frequency not consistent with disease.

Tuberous sclerosis database (TSC1)
No classification provided. Condition: TSC. Review status: no classification provided. Criteria: Tuberous Sclerosis Database Assertion Criteria 2015. Collection method: curation. Allele origin: germline. Affected: yes. Not counted in ClinVar's aggregate classification.

Literature cited by the submitters: PubMed 9924605 (cited by Quest Diagnostics Nichols Institute San Juan Capistrano and Ambry Genetics); PubMed 10363127 (cited by Quest Diagnostics Nichols Institute San Juan Capistrano).

NM_000368.5(TSC1):c.3322G>A (p.Gly1108Ser)

Gene: TSC1 (TSC complex subunit 1; minus strand). Cytogenetic location: 9q34.13.
Variant type: single nucleotide variant.
Coding change: c.3322G>A on transcript NM_000368.5 (MANE Select); coding-DNA position 3322, G replaced by A.
Protein change: p.Gly1108Ser; replaces glycine 1108 with serine.
Molecular consequence: missense variant.
Genome position (GRCh38, 1-based): chr9:132,896,408, C>T on the plus strand (G>A on the coding strand, the complement: TSC1 is on the minus strand). VCF-style: chr9-132896408-C-T. GRCh37 (hg19) VCF-style: chr9-135771795-C-T.
Other names: p.G1108S:GGC>AGC; c.3319G>A, p.Gly1107Ser (NM_001162426.2); c.3169G>A, p.Gly1057Ser (NM_001162427.2); c.2959G>A, p.Gly987Ser (NM_001362177.2); short protein forms G1108S, G987S, G1057S, G1107S.
Identifiers: ClinVar variation 49023 (VCV000049023.39), dbSNP rs118203753, ClinGen allele CA007317.